The following is an entry in ClinVar:

NM_015426.5(POC1A):c.725A>G (p.Asn242Ser)

Gene: POC1A (POC1 centriolar protein A; minus strand). Cytogenetic location: 3p21.2.
Variant type: single nucleotide variant.
Coding change: c.725A>G on transcript NM_015426.5 (MANE Select); coding-DNA position 725, A replaced by G.
Protein change: p.Asn242Ser; replaces asparagine 242 with serine.
Molecular consequence: missense variant.
Genome position (GRCh38, 1-based): chr3:52,138,257, T>C on the plus strand (A>G on the coding strand, the complement: POC1A is on the minus strand). VCF-style: chr3-52138257-T-C. GRCh37 (hg19) VCF-style: chr3-52172273-T-C.
Other names: c.725A>G, p.Asn242Ser (NM_001161580.2); c.611A>G, p.Asn204Ser (NM_001161581.2); short protein forms N242S, N204S.
Identifiers: ClinVar variation 2046592 (VCV002046592.2), dbSNP rs1698049524, ClinGen allele CA353042399.

ClinVar aggregate classification (germline): Uncertain significance (1 of 4 stars; one submission).

gnomAD v4.1: 3 of 1,614,136 alleles (0.00019%); highest among the groups gnomAD compares: South Asian, 0.0033%; no homozygotes.

Submission:

Labcorp Genetics (formerly Invitae), Labcorp
Classification: Uncertain significance. Last evaluated: 2022-08-16. Review status: criteria provided, single submitter. Criteria: Invitae Variant Classification Sherloc (09022015). Collection method: clinical testing. Allele origin: germline.
Comment: In summary, the available evidence is currently insufficient to determine the role of this variant in disease. Therefore, it has been classified as a Variant of Uncertain Significance. Algorithms developed to predict the effect of sequence changes on RNA splicing suggest that this variant may create or strengthen a splice site. Algorithms developed to predict the effect of missense changes on protein structure and function output the following: SIFT: "Not Available"; PolyPhen-2: "Benign"; Align-GVGD: "Not Available". The serine amino acid residue is found in multiple mammalian species, which suggests that this missense change does not adversely affect protein function. This variant has not been reported in the literature in individuals affected with POC1A-related conditions. This variant is not present in population databases (gnomAD no frequency). This sequence change replaces asparagine, which is neutral and polar, with serine, which is neutral and polar, at codon 242 of the POC1A protein (p.Asn242Ser).